The following is an entry in ClinVar:

ClinVar aggregate classification (germline): Pathogenic (1 of 4 stars; one submission).

Conditions:
Galactosylceramide beta-galactosidase deficiency. Also called: Krabbe Disease; Leukodystrophy, Globoid Cell; GALACTOCEREBROSIDASE DEFICIENCY; GALC DEFICIENCY; GLOBOID CELL LEUKOENCEPHALOPATHY. Identifiers: Orphanet 487, MedGen C0023521, MONDO:0009499, OMIM 245200.

Submission:

Labcorp Genetics (formerly Invitae), Labcorp
Classification: Pathogenic for Galactosylceramide beta-galactosidase deficiency. Last evaluated: 2022-04-30. Review status: criteria provided, single submitter. Criteria: Invitae Variant Classification Sherloc (09022015). Collection method: clinical testing. Allele origin: germline.
Comment: This sequence change creates a premature translational stop signal (p.Val61Glufs*12) in the GALC gene. It is expected to result in an absent or disrupted protein product. Loss-of-function variants in GALC are known to be pathogenic (PMID: 7437911, 9272171, 16607461). ClinVar contains an entry for this variant (Variation ID: 1070539). For these reasons, this variant has been classified as Pathogenic. This variant is not present in population databases (gnomAD no frequency). This variant has not been reported in the literature in individuals affected with GALC-related conditions.

Literature cited by the submitters: PubMed 7437911; PubMed 9272171; PubMed 16607461.

NM_000153.4(GALC):c.181_182insAG (p.Val61fs)

Genes: GALC (galactosylceramidase; minus strand), LOC130056217 (ATAC-STARR-seq lymphoblastoid silent region 5988; plus strand). Cytogenetic location: 14q31.3.
Variant type: Insertion.
Coding change: c.181_182insAG on transcript NM_000153.4 (MANE Select); coding-DNA positions 181 to 182, AG inserted.
Protein change: p.Val61fs; shifts the reading frame from valine 61.
Molecular consequence: frameshift variant. On other transcripts: intron variant (1).
Genome position: GRCh38 VCF-style: chr14-87992983-A-ACT. GRCh37 (hg19) VCF-style: chr14-88459327-A-ACT.
Other names: c.181_182insAG, p.Val61fs (NM_001201401.2); c.117+399_117+400insGA (NM_001201402.2); short protein forms V61fs.
Identifiers: ClinVar variation 1070539 (VCV001070539.12), dbSNP rs1887278169, ClinGen allele CA2153397289.